The following is an entry in ClinVar:

NM_001943.5(DSG2):c.2810A>C (p.Glu937Ala)

Genes: DSG2 (desmoglein 2; plus strand), DSG2-AS1 (DSG2 antisense RNA 1; minus strand). Cytogenetic location: 18q12.1.
Variant type: single nucleotide variant.
Coding change: c.2810A>C on transcript NM_001943.5 (MANE Select); coding-DNA position 2810, A replaced by C.
Protein change: p.Glu937Ala; replaces glutamic acid 937 with alanine.
Molecular consequence: missense variant.
Genome position (GRCh38, 1-based): chr18:31,546,196, A>C. VCF-style: chr18-31546196-A-C. GRCh37 (hg19) VCF-style: chr18-29126159-A-C.
Other names: short protein forms E937A.
Identifiers: ClinVar variation 4015025 (VCV004015025.1).

ClinVar aggregate classification (germline): Uncertain significance (1 of 4 stars; one submission).

Conditions:
Cardiovascular phenotype. Identifiers: MedGen CN230736.

gnomAD v4.1: 2 of 1,613,794 alleles (0.00012%); highest among the groups gnomAD compares: Admixed American, 0.0017%; no homozygotes.

Submission:

Ambry Genetics
Classification: Uncertain significance for Cardiovascular phenotype. Last evaluated: 2025-06-10. Review status: criteria provided, single submitter. Criteria: Ambry Variant Classification Scheme 2023. Collection method: clinical testing. Allele origin: germline.
Comment: The p.E937A variant (also known as c.2810A>C), located in coding exon 15 of the DSG2 gene, results from an A to C substitution at nucleotide position 2810. The glutamic acid at codon 937 is replaced by alanine, an amino acid with dissimilar properties. This amino acid position is conserved. In addition, the in silico prediction for this alteration is inconclusive. Based on the available evidence, the clinical significance of this variant remains unclear.